The following is an entry in ClinVar:

NM_138694.4(PKHD1):c.4510A>T (p.Ile1504Phe)

Gene: PKHD1 (PKHD1 ciliary IPT domain containing fibrocystin/polyductin; minus strand). Cytogenetic location: 6p12.2.
Variant type: single nucleotide variant.
Coding change: c.4510A>T on transcript NM_138694.4 (MANE Select); coding-DNA position 4510, A replaced by T.
Protein change: p.Ile1504Phe; replaces isoleucine 1504 with phenylalanine.
Molecular consequence: missense variant.
Genome position (GRCh38, 1-based): chr6:52,025,300, T>A on the plus strand (A>T on the coding strand, the complement: PKHD1 is on the minus strand). VCF-style: chr6-52025300-T-A. GRCh37 (hg19) VCF-style: chr6-51890098-T-A.
Other names: c.4510A>T (NM_138694.3); c.4510A>T, p.Ile1504Phe (NM_170724.3); short protein forms I1504F.
Identifiers: ClinVar variation 3341753 (VCV003341753.18).

ClinVar aggregate classification (germline): Uncertain significance. Review status: criteria provided, multiple submitters, no conflicts (2 of 4 stars). 3 submissions from 3 submitters: Uncertain significance (3). Last evaluated 2026-09-24.

Conditions:
PKHD1-related disorder. Also called: PKHD1-related condition.
Polycystic kidney disease 4 (PKD4). Also called: POLYCYSTIC KIDNEY AND HEPATIC DISEASE 1; POLYCYSTIC KIDNEY DISEASE, INFANTILE, TYPE I; Autosomal Recessive Polycystic Kidney Disease – PKHD1; POLYCYSTIC KIDNEY DISEASE 4 WITH OR WITHOUT POLYCYSTIC LIVER DISEASE; PKD3. Identifiers: MedGen C4540575, MONDO:0033004, OMIM 263200.

gnomAD v4.1: 7 of 1,613,904 alleles (0.00043%); highest among the groups gnomAD compares: Non-Finnish European, 0.00059%; no homozygotes.

Submissions (3):

PreventionGenetics, part of Exact Sciences
Classification: Uncertain significance for PKHD1-related condition. Last evaluated: 2026-09-24. Review status: criteria provided, single submitter. Criteria: ACMG Guidelines, 2015. Collection method: clinical testing. Allele origin: germline.
Comment: The PKHD1 c.4510A>T variant is predicted to result in the amino acid substitution p.Ile1504Phe. To our knowledge, this variant has not been reported in the literature. This variant is reported in 0.0016% of alleles in individuals of European (Non-Finnish) descent in gnomAD. At this time, the clinical significance of this variant is uncertain due to the absence of conclusive functional and genetic evidence.

CeGaT Center for Human Genetics Tuebingen
Classification: Uncertain significance. Last evaluated: 2025-06-01. Review status: criteria provided, single submitter. Criteria: CeGaT Center For Human Genetics Tuebingen Variant Classification Criteria Version 2. Collection method: clinical testing. Allele origin: germline. Affected: yes. Observed: 2 variant alleles.
Comment: PKHD1: PM2

Department of Pathology and Laboratory Medicine, Sinai Health System
Classification: Uncertain significance for Polycystic kidney disease 4. Last evaluated: 2023-05-29. Review status: criteria provided, single submitter. Criteria: ACMG Guidelines, 2015. Collection method: research. Allele origin: germline.